The following is an entry in ClinVar:

ClinVar aggregate classification (germline): Uncertain significance (1 of 4 stars; one submission).

Conditions:
Arterial tortuosity syndrome (ATORS). Identifiers: Orphanet 3342, MedGen C1859726, MONDO:0008818, OMIM 208050.

Submission:

Labcorp Genetics (formerly Invitae), Labcorp
Classification: Uncertain significance for Arterial tortuosity syndrome. Last evaluated: 2022-03-26. Review status: criteria provided, single submitter. Criteria: Invitae Variant Classification Sherloc (09022015). Collection method: clinical testing. Allele origin: germline.
Comment: Advanced modeling of protein sequence and biophysical properties (such as structural, functional, and spatial information, amino acid conservation, physicochemical variation, residue mobility, and thermodynamic stability) performed at Invitae indicates that this missense variant is not expected to disrupt SLC2A10 protein function. This variant has not been reported in the literature in individuals affected with SLC2A10-related conditions. This variant is not present in population databases (gnomAD no frequency). This sequence change replaces proline, which is neutral and non-polar, with threonine, which is neutral and polar, at codon 327 of the SLC2A10 protein (p.Pro327Thr). In summary, the available evidence is currently insufficient to determine the role of this variant in disease. Therefore, it has been classified as a Variant of Uncertain Significance.

NM_030777.4(SLC2A10):c.979C>A (p.Pro327Thr)

Gene: SLC2A10 (solute carrier family 2 member 10; plus strand). Cytogenetic location: 20q13.12.
Variant type: single nucleotide variant.
Coding change: c.979C>A on transcript NM_030777.4 (MANE Select); coding-DNA position 979, C replaced by A.
Protein change: p.Pro327Thr; replaces proline 327 with threonine.
Molecular consequence: missense variant.
Genome position (GRCh38, 1-based): chr20:46,726,015, C>A. VCF-style: chr20-46726015-C-A. GRCh37 (hg19) VCF-style: chr20-45354654-C-A.
Other names: short protein forms P327T.
Identifiers: ClinVar variation 2017946 (VCV002017946.4), dbSNP rs2515591432, ClinGen allele CA409268794.